The following is an entry in ClinVar:

ClinVar aggregate classification (germline): Uncertain significance (1 of 4 stars; one submission).

Submission:

CeGaT Center for Human Genetics Tuebingen
Classification: Uncertain significance. Last evaluated: 2022-12-01. Review status: criteria provided, single submitter. Criteria: CeGaT Center For Human Genetics Tuebingen Variant Classification Criteria Version 2. Collection method: clinical testing. Allele origin: germline. Affected: yes. Observed: 1 variant allele.
Comment: ZFHX4: PM2

NM_024721.5(ZFHX4):c.686T>C (p.Val229Ala)

Gene: ZFHX4 (zinc finger homeobox 4; plus strand). Cytogenetic location: 8q21.13.
Variant type: single nucleotide variant.
Coding change: c.686T>C on transcript NM_024721.5 (MANE Select); coding-DNA position 686, T replaced by C.
Protein change: p.Val229Ala; replaces valine 229 with alanine.
Molecular consequence: missense variant.
Genome position (GRCh38, 1-based): chr8:76,704,774, T>C. VCF-style: chr8-76704774-T-C. GRCh37 (hg19) VCF-style: chr8-77617009-T-C.
Other names: c.686T>C, p.Val229Ala (NM_001410934.1); short protein forms V229A.
Identifiers: ClinVar variation 2658658 (VCV002658658.24), dbSNP rs1221204945, ClinGen allele CA371504598.